The following is an entry in ClinVar:

ClinVar aggregate classification (germline): Uncertain significance. Review status: criteria provided, multiple submitters, no conflicts (2 of 4 stars). 2 submissions from 2 submitters: Uncertain significance (2). Last evaluated 2025-06-22.

gnomAD v4.1: 1 of 1,614,148 alleles (0.000062%); no homozygotes.

Submissions (2):

Ambry Genetics
Classification: Uncertain significance. Last evaluated: 2025-06-22. Review status: criteria provided, single submitter. Criteria: Ambry Variant Classification Scheme 2023. Collection method: clinical testing. Allele origin: germline.
Comment: The p.S299C variant (also known as c.896C>G), located in coding exon 7 of the RINT1 gene, results from a C to G substitution at nucleotide position 896. The serine at codon 299 is replaced by cysteine, an amino acid with dissimilar properties. This amino acid position is conserved. In addition, this alteration is predicted to be tolerated by in silico analysis. Since supporting evidence is limited at this time, the clinical significance of this alteration remains unclear.

Labcorp Genetics (formerly Invitae), Labcorp
Classification: Uncertain significance. Last evaluated: 2021-04-27. Review status: criteria provided, single submitter. Criteria: Invitae Variant Classification Sherloc (09022015). Collection method: clinical testing. Allele origin: germline.
Comment: In summary, the available evidence is currently insufficient to determine the role of this variant in disease. Therefore, it has been classified as a Variant of Uncertain Significance. Algorithms developed to predict the effect of missense changes on protein structure and function output the following: SIFT: "Tolerated"; PolyPhen-2: "Benign"; Align-GVGD: "Class C0". The cysteine amino acid residue is found in multiple mammalian species, suggesting that this missense change does not adversely affect protein function. These predictions have not been confirmed by published functional studies and their clinical significance is uncertain. This variant has not been reported in the literature in individuals with RINT1-related conditions. This variant is not present in population databases (ExAC no frequency). This sequence change replaces serine with cysteine at codon 299 of the RINT1 protein (p.Ser299Cys). The serine residue is moderately conserved and there is a moderate physicochemical difference between serine and cysteine.

NM_021930.6(RINT1):c.896C>G (p.Ser299Cys)

Gene: RINT1 (RAD50 interactor 1; plus strand). Cytogenetic location: 7q22.3.
Variant type: single nucleotide variant.
Coding change: c.896C>G on transcript NM_021930.6 (MANE Select); coding-DNA position 896, C replaced by G.
Protein change: p.Ser299Cys; replaces serine 299 with cysteine.
Molecular consequence: missense variant. On other transcripts: 5 prime UTR variant (2), non-coding transcript variant (1), intron variant (1).
Genome position (GRCh38, 1-based): chr7:105,548,610, C>G. VCF-style: chr7-105548610-C-G. GRCh37 (hg19) VCF-style: chr7-105189057-C-G.
Other names: c.896C>G (NM_021930.4); c.662C>G, p.Ser221Cys (NM_001346599.2); c.-124C>G (NM_001346600.2); c.-29C>G (NM_001346601.2); c.-27-1445C>G (NM_001346603.2); short protein forms S221C, S299C.
Identifiers: ClinVar variation 1470919 (VCV001470919.10), dbSNP rs2133393551, ClinGen allele CA368807935.